The following is an entry in ClinVar:

NM_005732.4(RAD50):c.3640C>T (p.Arg1214Cys)

Genes: TH2-LCR (Th2 cytokine locus control region; plus strand), RAD50 (RAD50 double strand break repair protein; plus strand), TH2LCRR (T helper type 2 locus control region associated RNA; minus strand). Cytogenetic location: 5q31.1.
Variant type: single nucleotide variant.
Coding change: c.3640C>T on transcript NM_005732.4 (MANE Select); coding-DNA position 3640, C replaced by T.
Protein change: p.Arg1214Cys; replaces arginine 1214 with cysteine.
Molecular consequence: missense variant.
Genome position (GRCh38, 1-based): chr5:132,640,693, C>T. VCF-style: chr5-132640693-C-T. GRCh37 (hg19) VCF-style: chr5-131976385-C-T.
Other names: short protein forms R1214C.
Identifiers: ClinVar variation 408401 (VCV000408401.15), dbSNP rs546479838, ClinGen allele CA3405642.

ClinVar aggregate classification (germline): Uncertain significance. Review status: criteria provided, multiple submitters, no conflicts (2 of 4 stars). 2 submissions from 2 submitters: Uncertain significance (2). Last evaluated 2025-11-10.

Conditions:
Hereditary cancer-predisposing syndrome. Also called: Hereditary Cancer Syndrome; Hereditary neoplastic syndrome; Neoplastic Syndromes, Hereditary; Tumor predisposition. Identifiers: Orphanet 140162, MedGen C0027672, MeSH D009386, MONDO:0015356.

Allele frequency attached by ClinVar (database versions not stated): gnomAD exomes below 0.00001; ExAC 0.00001; gnomAD 0.00001; 1000 Genomes Project 0.00020; TOPMed 0.00001; 1000 Genomes Project 30x 0.00016.
gnomAD v4.1: 5 of 1,614,222 alleles (0.00031%); highest among the groups gnomAD compares: Admixed American, 0.0033%; no homozygotes.

Submissions (2):

Labcorp Genetics (formerly Invitae), Labcorp
Classification: Uncertain significance for Hereditary cancer-predisposing syndrome. Last evaluated: 2025-11-10. Review status: criteria provided, single submitter. Criteria: Invitae Variant Classification Sherloc (09022015). Collection method: clinical testing. Allele origin: germline.
Comment: This sequence change replaces arginine, which is basic and polar, with cysteine, which is neutral and slightly polar, at codon 1214 of the RAD50 protein (p.Arg1214Cys). This variant is present in population databases (rs546479838, gnomAD 0.003%). This variant has not been reported in the literature in individuals affected with RAD50-related conditions. ClinVar contains an entry for this variant (Variation ID: 408401). Invitae Evidence Modeling of protein sequence and biophysical properties (such as structural, functional, and spatial information, amino acid conservation, physicochemical variation, residue mobility, and thermodynamic stability) indicates that this missense variant is expected to disrupt RAD50 protein function with a positive predictive value of 80%. Experimental studies have shown that this missense change affects RAD50 function (PMID: 32187176). In summary, the available evidence is currently insufficient to determine the role of this variant in disease. Therefore, it has been classified as a Variant of Uncertain Significance.

Ambry Genetics
Classification: Uncertain significance for Hereditary cancer-predisposing syndrome. Last evaluated: 2025-01-08. Review status: criteria provided, single submitter. Criteria: Ambry Variant Classification Scheme 2023. Collection method: clinical testing. Allele origin: germline.
Comment: The p.R1214C variant (also known as c.3640C>T), located in coding exon 24 of the RAD50 gene, results from a C to T substitution at nucleotide position 3640. The arginine at codon 1214 is replaced by cysteine, an amino acid with highly dissimilar properties. This amino acid position is highly conserved in available vertebrate species. In addition, this alteration is predicted to be deleterious by in silico analysis. Since supporting evidence is limited at this time, the clinical significance of this alteration remains unclear.

Literature cited by the submitters: PubMed 32187176 (cited by Labcorp Genetics (formerly Invitae), Labcorp).